The following is an entry in ClinVar:

NM_000138.5(FBN1):c.5141T>C (p.Met1714Thr)

Gene: FBN1 (fibrillin 1; minus strand). Cytogenetic location: 15q21.1.
Variant type: single nucleotide variant.
Coding change: c.5141T>C on transcript NM_000138.5 (MANE Select); coding-DNA position 5141, T replaced by C.
Protein change: p.Met1714Thr; replaces methionine 1714 with threonine.
Molecular consequence: missense variant.
Genome position (GRCh38, 1-based): chr15:48,463,165, A>G on the plus strand (T>C on the coding strand, the complement: FBN1 is on the minus strand). VCF-style: chr15-48463165-A-G. GRCh37 (hg19) VCF-style: chr15-48755362-A-G.
Other names: c.5141T>C, p.Met1714Thr (NM_001406716.1); short protein forms M1714T.
Identifiers: ClinVar variation 2632489 (VCV002632489.2), dbSNP rs2505491118, ClinGen allele CA392349213.

ClinVar aggregate classification (germline): Uncertain significance. Review status: criteria provided, multiple submitters, no conflicts (2 of 4 stars). 2 submissions from 2 submitters: Uncertain significance (2). Last evaluated 2025-05-12.

Conditions:
Familial thoracic aortic aneurysm and aortic dissection (TAAD). Also called: Thoracic aortic aneurysms and dissections. Identifiers: Orphanet 91387, MedGen C4707243, MONDO:0019625.
FBN1-related disorder. Also called: FBN1-related disorders.

Submissions (2):

Color Diagnostics, LLC DBA Color Health
Classification: Uncertain significance for Familial thoracic aortic aneurysm and aortic dissection. Last evaluated: 2025-05-12. Review status: criteria provided, single submitter. Criteria: ACMG Guidelines, 2015. Collection method: clinical testing. Allele origin: germline.
Comment: This missense variant replaces methionine with threonine at codon 1714 of the FBN1 protein. Computational prediction suggests that this variant may have deleterious impact on protein structure and function. To our knowledge, functional studies have not been reported for this variant. This variant has not been reported in individuals affected with FBN1-related disorders in the literature. This variant has not been identified in the general population by the Genome Aggregation Database (gnomAD). The available evidence is insufficient to determine the role of this variant in disease conclusively. Therefore, this variant is classified as a Variant of Uncertain Significance.

PreventionGenetics, part of Exact Sciences
Classification: Uncertain significance for FBN1-related condition. Last evaluated: 2023-06-13. Review status: criteria provided, single submitter. Criteria: ACMG Guidelines, 2015. Collection method: clinical testing. Allele origin: germline.
Comment: The FBN1 c.5141T>C variant is predicted to result in the amino acid substitution p.Met1714Thr. To our knowledge, this variant has not been reported in the literature or in a large population database, indicating this variant is rare. An alternate missense variant (p.Met1714Arg) has been reported as de novo in a patient with acromicric dysplasia (Le Goff et al. 2011. PubMed ID: 21683322). At this time, the clinical significance of this variant is uncertain due to the absence of conclusive functional and genetic evidence.